The following is an entry in ClinVar:

ClinVar aggregate classification (germline): Uncertain significance (1 of 4 stars; one submission).

Conditions:
Inborn genetic diseases. Identifiers: MedGen C0950123, MeSH D030342.

Submission:

Ambry Genetics
Classification: Uncertain significance for Inborn genetic diseases. Last evaluated: 2025-01-28. Review status: criteria provided, single submitter. Criteria: Ambry Variant Classification Scheme 2023. Collection method: clinical testing. Allele origin: germline.
Comment: The p.S1131F variant (also known as c.3392C>T), located in coding exon 24 of the ANKRD26 gene, results from a C to T substitution at nucleotide position 3392. The serine at codon 1131 is replaced by phenylalanine, an amino acid with highly dissimilar properties. This amino acid position is conserved. In addition, this alteration is predicted to be tolerated by in silico analysis. Based on the available evidence, the clinical significance of this variant remains unclear.

NM_014915.3(ANKRD26):c.3392C>T (p.Ser1131Phe)

Gene: ANKRD26 (ankyrin repeat domain containing 26; minus strand). Cytogenetic location: 10p12.1.
Variant type: single nucleotide variant.
Coding change: c.3392C>T on transcript NM_014915.3 (MANE Select); coding-DNA position 3392, C replaced by T.
Protein change: p.Ser1131Phe; replaces serine 1131 with phenylalanine.
Molecular consequence: missense variant.
Genome position (GRCh38, 1-based): chr10:27,035,058, G>A on the plus strand (C>T on the coding strand, the complement: ANKRD26 is on the minus strand). VCF-style: chr10-27035058-G-A. GRCh37 (hg19) VCF-style: chr10-27323987-G-A.
Other names: c.3389C>T, p.Ser1130Phe (NM_001256053.2); short protein forms S1130F, S1131F.
Identifiers: ClinVar variation 3870852 (VCV003870852.1).